The following is an entry in ClinVar:

NM_000388.4(CASR):c.1160G>C (p.Ser387Thr)

Gene: CASR (calcium sensing receptor; plus strand). Cytogenetic location: 3q21.1.
Variant type: single nucleotide variant.
Coding change: c.1160G>C on transcript NM_000388.4 (MANE Select); coding-DNA position 1160, G replaced by C.
Protein change: p.Ser387Thr; replaces serine 387 with threonine.
Molecular consequence: missense variant.
Genome position (GRCh38, 1-based): chr3:122,262,195, G>C. VCF-style: chr3-122262195-G-C. GRCh37 (hg19) VCF-style: chr3-121981042-G-C.
Other names: c.1160G>C, p.Ser387Thr (NM_001178065.2); short protein forms S387T.
Identifiers: ClinVar variation 1736647 (VCV001736647.2), dbSNP rs2473228326, ClinGen allele CA354152723.

ClinVar aggregate classification (germline): Uncertain significance (1 of 4 stars; one submission).

Conditions:
Nephrolithiasis/nephrocalcinosis. Identifiers: MedGen CN580796.

Submission:

Ambry Genetics
Classification: Uncertain significance for Nephrolithiasis/nephrocalcinosis. Last evaluated: 2021-10-26. Review status: criteria provided, single submitter. Criteria: Ambry Variant Classification Scheme 2023. Collection method: clinical testing. Allele origin: germline.
Comment: The p.S387T variant (also known as c.1160G>C), located in coding exon 3 of the CASR gene, results from a G to C substitution at nucleotide position 1160. The serine at codon 387 is replaced by threonine, an amino acid with similar properties. This amino acid position is conserved. In addition, this alteration is predicted to be tolerated by in silico analysis. Since supporting evidence is limited at this time, the clinical significance of this alteration remains unclear.